The following is an entry in ClinVar:

ClinVar aggregate classification (germline): Benign. Review status: criteria provided, multiple submitters, no conflicts (2 of 4 stars). 3 submissions from 3 submitters: Benign (3). Last evaluated 2026-02-02.

Conditions:
Myasthenic syndrome, congenital, 22 (CMS22). Also called: PREPL DEFICIENCY. Identifiers: MedGen C4479088, MONDO:0044299, OMIM 616224.

Allele frequency attached by ClinVar (database versions not stated): gnomAD exomes 0.00253; ExAC 0.00269; gnomAD 0.00617; 1000 Genomes Project 0.00619; ESP Exome Variant Server 0.00623; TOPMed 0.00683; 1000 Genomes Project 30x 0.00687.
gnomAD v4.1: 2,795 of 1,613,690 alleles (0.17%); highest among the groups gnomAD compares: African/African-American, 1.7%; 14 homozygotes.

Submissions (3):

Labcorp Genetics (formerly Invitae), Labcorp
Classification: Benign for Myasthenic syndrome, congenital, 22. Last evaluated: 2026-02-02. Review status: criteria provided, single submitter. Criteria: Invitae Variant Classification Sherloc (09022015). Collection method: clinical testing. Allele origin: germline.

Mayo Clinic Laboratories, Mayo Clinic
Classification: Benign. Last evaluated: 2023-12-05. Review status: criteria provided, single submitter. Criteria: ACMG Guidelines, 2015. Collection method: clinical testing. Allele origin: germline. Observed: 2 variant alleles.
Comment: BS1, BS2, BP4, BP7

Breakthrough Genomics
Classification: Benign. Review status: criteria provided, single submitter. Criteria: ACMG Guidelines, 2015. Collection method: not provided. Allele origin: germline. Inheritance: Autosomal recessive inheritance. Affected: yes.

NM_001171613.2(PREPL):c.1656A>G (p.Ala552=)

Gene: PREPL (prolyl endopeptidase like; minus strand). Cytogenetic location: 2p21.
Variant type: single nucleotide variant.
Coding change: c.1656A>G on transcript NM_001171613.2 (MANE Select); coding-DNA position 1656, A replaced by G.
Protein change: p.Ala552=; no amino-acid change (alanine 552 retained).
Molecular consequence: synonymous variant.
Genome position (GRCh38, 1-based): chr2:44,322,828, T>C on the plus strand (A>G on the coding strand, the complement: PREPL is on the minus strand). VCF-style: chr2-44322828-T-C. GRCh37 (hg19) VCF-style: chr2-44549967-T-C.
Other names: p.Ala641=; c.1923A>G, p.Ala641= (NM_006036.4, NM_001171603.1, NM_001171606.2 and 2 more transcripts); c.1737A>G, p.Ala579= (NM_001042385.2); c.1725A>G, p.Ala575= (NM_001042386.2); c.1656A>G, p.Ala552= (NM_001171617.1, NM_001374277.1).
Identifiers: ClinVar variation 478313 (VCV000478313.14), dbSNP rs74395208, ClinGen allele CA1641003.